The following is an entry in ClinVar:

NM_032447.5(FBN3):c.6280G>A (p.Val2094Ile)

Gene: FBN3 (fibrillin 3; minus strand). Cytogenetic location: 19p13.2.
Variant type: single nucleotide variant.
Coding change: c.6280G>A on transcript NM_032447.5 (MANE Select); coding-DNA position 6280, G replaced by A.
Protein change: p.Val2094Ile; replaces valine 2094 with isoleucine.
Molecular consequence: missense variant.
Genome position (GRCh38, 1-based): chr19:8,089,641, C>T on the plus strand (G>A on the coding strand, the complement: FBN3 is on the minus strand). VCF-style: chr19-8089641-C-T. GRCh37 (hg19) VCF-style: chr19-8154525-C-T.
Other names: c.6280G>A, p.Val2094Ile (NM_001321431.2); c.6280G>A (NM_032447.3); short protein forms V2094I.
Identifiers: ClinVar variation 2720723 (VCV002720723.4), dbSNP rs779882538, ClinGen allele CA9151340.
Genomic context (GRCh38, chr19:8,089,641, plus strand): 5'-CAAAGGGACACTCACAGCGGAAGGATCCATCGGTGTTGACACAGACGCCGTTAGTGCAGA[C>T]GCCAGGGTTCTCTGCACACTCATTCACGTCTGCGGATGGCAGGCGTTGCAGACATGGCTT-3'
Protein context (NP_115823.3, residues 2084-2104): DVNECAENPG[Val2094Ile]CTNGVCVNTD

ClinVar aggregate classification (germline): Uncertain significance. Review status: criteria provided, multiple submitters, no conflicts (2 of 4 stars). 2 submissions from 2 submitters: Uncertain significance (2). Last evaluated 2025-04-09.

Allele frequency attached by ClinVar (database versions not stated): ExAC 0.00002; gnomAD 0.00004; TOPMed 0.00006; gnomAD exomes 0.00001.
gnomAD v4.1: 19 of 1,614,066 alleles (0.0012%); highest among the groups gnomAD compares: African/African-American, 0.021%; no homozygotes.

Submissions (2):

Ambry Genetics
Classification: Uncertain significance. Last evaluated: 2025-04-09. Review status: criteria provided, single submitter. Criteria: Ambry Variant Classification Scheme 2023. Collection method: clinical testing. Allele origin: germline.

Labcorp Genetics (formerly Invitae), Labcorp
Classification: Uncertain significance. Last evaluated: 2023-03-03. Review status: criteria provided, single submitter. Criteria: Invitae Variant Classification Sherloc (09022015). Collection method: clinical testing. Allele origin: germline.
Comment: This variant has not been reported in the literature in individuals affected with FBN3-related conditions. This variant is present in population databases (rs779882538, gnomAD 0.02%). This sequence change replaces valine, which is neutral and non-polar, with isoleucine, which is neutral and non-polar, at codon 2094 of the FBN3 protein (p.Val2094Ile). Algorithms developed to predict the effect of missense changes on protein structure and function output the following: SIFT: "Not Available"; PolyPhen-2: "Benign"; Align-GVGD: "Not Available". The isoleucine amino acid residue is found in multiple mammalian species, which suggests that this missense change does not adversely affect protein function. In summary, the available evidence is currently insufficient to determine the role of this variant in disease. Therefore, it has been classified as a Variant of Uncertain Significance.